The following is an entry in ClinVar:

ClinVar aggregate classification (germline): Uncertain significance. Review status: criteria provided, multiple submitters, no conflicts (2 of 4 stars). 2 submissions from 2 submitters: Uncertain significance (2). Last evaluated 2025-12-08.

gnomAD v4.1: 61 of 1,614,066 alleles (0.0038%); highest among the groups gnomAD compares: Non-Finnish European, 0.0051%; no homozygotes.

Submissions (2):

Ambry Genetics
Classification: Uncertain significance. Last evaluated: 2025-12-08. Review status: criteria provided, single submitter. Criteria: Ambry Variant Classification Scheme 2023. Collection method: clinical testing. Allele origin: germline.

Labcorp Genetics (formerly Invitae), Labcorp
Classification: Uncertain significance. Last evaluated: 2025-09-23. Review status: criteria provided, single submitter. Criteria: Invitae Variant Classification Sherloc (09022015). Collection method: clinical testing. Allele origin: germline.
Comment: This sequence change replaces valine, which is neutral and non-polar, with isoleucine, which is neutral and non-polar, at codon 495 of the ATP2B4 protein (p.Val495Ile). This variant is present in population databases (rs375089700, gnomAD 0.004%). This variant has not been reported in the literature in individuals affected with ATP2B4-related conditions. Invitae Evidence Modeling of protein sequence and biophysical properties (such as structural, functional, and spatial information, amino acid conservation, physicochemical variation, residue mobility, and thermodynamic stability) indicates that this missense variant is not expected to disrupt ATP2B4 protein function with a negative predictive value of 80%. In summary, the available evidence is currently insufficient to determine the role of this variant in disease. Therefore, it has been classified as a Variant of Uncertain Significance.

NM_001684.5(ATP2B4):c.1483G>A (p.Val495Ile)

Gene: ATP2B4 (ATPase plasma membrane Ca2+ transporting 4; plus strand). Cytogenetic location: 1q32.1.
Variant type: single nucleotide variant.
Coding change: c.1483G>A on transcript NM_001684.5 (MANE Select); coding-DNA position 1483, G replaced by A.
Protein change: p.Val495Ile; replaces valine 495 with isoleucine.
Molecular consequence: missense variant.
Genome position (GRCh38, 1-based): chr1:203,708,030, G>A. VCF-style: chr1-203708030-G-A. GRCh37 (hg19) VCF-style: chr1-203677158-G-A.
Other names: c.1483G>A, p.Val495Ile (NM_001001396.3, NM_001365783.2, NM_001365784.2); short protein forms V495I.
Identifiers: ClinVar variation 4644262 (VCV004644262.2).